The following is an entry in ClinVar:

ClinVar aggregate classification (germline): Uncertain significance (1 of 4 stars; one submission).

gnomAD v4.1: 1 of 1,598,348 alleles (0.000063%); highest among the groups gnomAD compares: African/African-American, 0.0013%; no homozygotes.

Submission:

Ambry Genetics
Classification: Uncertain significance. Last evaluated: 2026-08-12. Review status: criteria provided, single submitter. Criteria: Ambry Variant Classification Scheme 2023. Collection method: clinical testing. Allele origin: germline.
Comment: The p.V263A variant (also known as c.788T>C), located in coding exon 6 of the GEN1 gene, results from a T to C substitution at nucleotide position 788. The valine at codon 263 is replaced by alanine, an amino acid with similar properties. This amino acid position is conserved. In addition, this alteration is predicted to be tolerated by in silico analysis. Based on the available evidence, the clinical significance of this variant remains unclear.

NM_001130009.3(GEN1):c.788T>C (p.Val263Ala)

Gene: GEN1 (GEN1 structure-specific endonuclease; plus strand). Cytogenetic location: 2p24.2.
Variant type: single nucleotide variant.
Coding change: c.788T>C on transcript NM_001130009.3 (MANE Select); coding-DNA position 788, T replaced by C.
Protein change: p.Val263Ala; replaces valine 263 with alanine.
Molecular consequence: missense variant.
Genome position (GRCh38, 1-based): chr2:17,771,273, T>C. VCF-style: chr2-17771273-T-C. GRCh37 (hg19) VCF-style: chr2-17952540-T-C.
Other names: c.788T>C, p.Val263Ala (NM_182625.5); short protein forms V263A.
Identifiers: ClinVar variation 5022328 (VCV005022328.1).
Genomic context (GRCh38, chr2:17,771,273, plus strand): 5'-AAACATCTTGTAACTCTAGTCCACAACTGCTAGTCACTAAAAAACTGGCTCATTGTTCCG[T>C]ATGTTCCCATCCAGGTAAGGAGACATAGGGAATGGTTATTAGTATCTCATACCCATGTTT-3'
Protein context (NP_001123481.3, residues 253-273): LVTKKLAHCS[Val263Ala]CSHPGSPKDH